The following is an entry in ClinVar:

NM_001182.5(ALDH7A1):c.247-1G>C

Gene: ALDH7A1 (aldehyde dehydrogenase 7 family member A1; minus strand). Cytogenetic location: 5q23.2.
Variant type: single nucleotide variant.
Coding change: c.247-1G>C on transcript NM_001182.5 (MANE Select); the canonical splice acceptor site of the intron before coding-DNA position 247, G replaced by C.
Molecular consequence: splice acceptor variant.
Genome position (GRCh38, 1-based): chr5:126,592,730, C>G on the plus strand (G>C on the coding strand, the complement: ALDH7A1 is on the minus strand). VCF-style: chr5-126592730-C-G. GRCh37 (hg19) VCF-style: chr5-125928422-C-G.
Other names: c.247-1G>C (NM_001202404.2); c.163-1G>C (NM_001201377.2).
Identifiers: ClinVar variation 410540 (VCV000410540.11), dbSNP rs1060502949, ClinGen allele CA16611664.

ClinVar aggregate classification (germline): Likely pathogenic. Review status: criteria provided, multiple submitters, no conflicts (2 of 4 stars). 3 submissions from 3 submitters: Likely pathogenic (3). Last evaluated 2023-04-11.

Conditions:
Inborn genetic diseases. Identifiers: MedGen C0950123, MeSH D030342.
Pyridoxine-dependent epilepsy (EPEO4). Also called: Pyridoxine-Dependent Epilepsy - ALDH7A1; EPILEPSY, EARLY-ONSET, 4, VITAMIN B6-DEPENDENT; Pyridoxine-Dependent Seizures; PYRIDOXINE DEPENDENCY WITH SEIZURES. Identifiers: Orphanet 3006, MedGen C1849508, MONDO:0009945, OMIM 266100. Disease mechanism: loss of function.

Submissions (3):

Genome-Nilou Lab
Classification: Likely pathogenic for Pyridoxine-dependent epilepsy. Last evaluated: 2023-04-11. Review status: criteria provided, single submitter. Criteria: ACMG Guidelines, 2015. Collection method: clinical testing. Allele origin: germline. Affected: no.

Ambry Genetics
Classification: Likely pathogenic for Inborn genetic diseases. Last evaluated: 2018-02-28. Review status: criteria provided, single submitter. Criteria: Ambry exome assertion method (8-5-2015). Collection method: clinical testing. Allele origin: germline. Affected: yes. Observed: 1 variant allele.

Labcorp Genetics (formerly Invitae), Labcorp
Classification: Likely pathogenic for Pyridoxine-dependent epilepsy. Last evaluated: 2016-07-04. Review status: criteria provided, single submitter. Criteria: Invitae Variant Classification Sherloc (09022015). Collection method: clinical testing. Allele origin: germline.
Comment: This sequence change affects an acceptor splice site in intron 2 of the ALDH7A1 gene. It is expected to disrupt mRNA splicing and likely results in an absent or disrupted protein product. In summary, donor and acceptor splice site variants are typically truncating (PMID: 16199547), and truncating variants in ALDH7A1 are known to be pathogenic (PMID: 16491085). However, without additional functional and/or genetic data, this variant has been classified as Likely Pathogenic. This variant is not present in population databases (ExAC no frequency) and has not been reported in the literature in individuals with a ALDH7A1-related disease.

Literature cited by the submitters: PubMed 16199547 (cited by Labcorp Genetics (formerly Invitae), Labcorp); PubMed 16491085 (cited by Labcorp Genetics (formerly Invitae), Labcorp).